The following is an entry in ClinVar:

NM_152703.5(SAMD9L):c.412A>C (p.Lys138Gln)

Gene: SAMD9L (sterile alpha motif domain containing 9 like; minus strand). Cytogenetic location: 7q21.2.
Variant type: single nucleotide variant.
Coding change: c.412A>C on transcript NM_152703.5 (MANE Select); coding-DNA position 412, A replaced by C.
Protein change: p.Lys138Gln; replaces lysine 138 with glutamine.
Molecular consequence: missense variant.
Genome position (GRCh38, 1-based): chr7:93,135,560, T>G on the plus strand (A>C on the coding strand, the complement: SAMD9L is on the minus strand). VCF-style: chr7-93135560-T-G. GRCh37 (hg19) VCF-style: chr7-92764873-T-G.
Other names: c.412A>C, p.Lys138Gln (NM_001303496.3, NM_001303497.3, NM_001303498.3 and 5 more transcripts); short protein forms K138Q.
Identifiers: ClinVar variation 4736623 (VCV004736623.1).

ClinVar aggregate classification (germline): Uncertain significance (1 of 4 stars; one submission).

Submission:

Labcorp Genetics (formerly Invitae), Labcorp
Classification: Uncertain significance. Last evaluated: 2026-02-04. Review status: criteria provided, single submitter. Criteria: Invitae Variant Classification Sherloc (09022015). Collection method: clinical testing. Allele origin: germline.
Comment: This sequence change replaces lysine, which is basic and polar, with glutamine, which is neutral and polar, at codon 138 of the SAMD9L protein (p.Lys138Gln). This variant is not present in population databases (gnomAD no frequency). This variant has not been reported in the literature in individuals affected with SAMD9L-related conditions. An algorithm developed to predict the effect of missense changes on protein structure and function (PolyPhen-2) suggests that this variant is likely to be disruptive. In summary, the available evidence is currently insufficient to determine the role of this variant in disease. Therefore, it has been classified as a Variant of Uncertain Significance.